The following is an entry in ClinVar:

NM_000384.3(APOB):c.8778A>C (p.Lys2926Asn)

Gene: APOB (apolipoprotein B; minus strand). Cytogenetic location: 2p24.1.
Variant type: single nucleotide variant.
Coding change: c.8778A>C on transcript NM_000384.3 (MANE Select); coding-DNA position 8778, A replaced by C.
Protein change: p.Lys2926Asn; replaces lysine 2926 with asparagine.
Molecular consequence: missense variant.
Genome position (GRCh38, 1-based): chr2:21,008,090, T>G on the plus strand (A>C on the coding strand, the complement: APOB is on the minus strand). VCF-style: chr2-21008090-T-G. GRCh37 (hg19) VCF-style: chr2-21230962-T-G.
Other names: short protein forms K2926N.
Identifiers: ClinVar variation 3758431 (VCV003758431.2), dbSNP rs925427080.

ClinVar aggregate classification (germline): Uncertain significance (1 of 4 stars; one submission).

Conditions:
Familial hypobetalipoproteinemia 1. Also called: APOB-Related Familial Hypobetalipoproteinemia; Hypobetalipoproteinemia, normotriglyceridemic; Acanthocytosis with hypobetalipoproteinemia. Identifiers: MedGen C4551990, MONDO:0014252, OMIM 615558.
Hypercholesterolemia, autosomal dominant, type B (FHCL2). Also called: Familial Hypercholesterolemia Type B; APOLIPOPROTEIN B-100, FAMILIAL DEFECTIVE; APOLIPOPROTEIN B-100, FAMILIAL LIGAND-DEFECTIVE; HYPERCHOLESTEROLEMIA, FAMILIAL, DUE TO LIGAND-DEFECTIVE APOLIPOPROTEIN B; Hyperlipoproteinemia Type IIb; Familial hypercholesterolemia 2. Identifiers: MedGen C1704417, MONDO:0007751, OMIM 144010.

gnomAD v4.1: 1 of 1,614,050 alleles (0.000062%); highest among the groups gnomAD compares: Non-Finnish European, 0.000085%; no homozygotes.

Submission:

Labcorp Genetics (formerly Invitae), Labcorp
Classification: Uncertain significance for Familial hypobetalipoproteinemia 1; Hypercholesterolemia, autosomal dominant, type B. Last evaluated: 2024-08-03. Review status: criteria provided, single submitter. Criteria: Invitae Variant Classification Sherloc (09022015). Collection method: clinical testing. Allele origin: germline.
Comment: This sequence change replaces lysine, which is basic and polar, with asparagine, which is neutral and polar, at codon 2926 of the APOB protein (p.Lys2926Asn). This variant is not present in population databases (gnomAD no frequency). This variant has not been reported in the literature in individuals affected with APOB-related conditions. Advanced modeling of protein sequence and biophysical properties (such as structural, functional, and spatial information, amino acid conservation, physicochemical variation, residue mobility, and thermodynamic stability) performed at Invitae indicates that this missense variant is not expected to disrupt APOB protein function with a negative predictive value of 95%. In summary, the available evidence is currently insufficient to determine the role of this variant in disease. Therefore, it has been classified as a Variant of Uncertain Significance.